The following is an entry in ClinVar:

NM_001199107.2(TBC1D24):c.257G>A (p.Ser86Asn)

Gene: TBC1D24 (TBC1 domain family member 24; plus strand). Cytogenetic location: 16p13.3.
Variant type: single nucleotide variant.
Coding change: c.257G>A on transcript NM_001199107.2 (MANE Select); coding-DNA position 257, G replaced by A.
Protein change: p.Ser86Asn; replaces serine 86 with asparagine.
Molecular consequence: missense variant.
Genome position (GRCh38, 1-based): chr16:2,496,405, G>A. VCF-style: chr16-2496405-G-A. GRCh37 (hg19) VCF-style: chr16-2546406-G-A.
Other names: c.257G>A, p.Ser86Asn (NM_020705.3); short protein forms S86N.
Identifiers: ClinVar variation 1793355 (VCV001793355.7), dbSNP rs1334600600, ClinGen allele CA394375212.

ClinVar aggregate classification (germline): Uncertain significance. Review status: criteria provided, multiple submitters, no conflicts (2 of 4 stars). 2 submissions from 2 submitters: Uncertain significance (2). Last evaluated 2022-05-05.

Conditions:
Inborn genetic diseases. Identifiers: MedGen C0950123, MeSH D030342.
Developmental and epileptic encephalopathy, 1 (DEE1). Also called: X-linked infantile spasms; West's syndrome; Tonic spasms with clustering, arrest of psychomotor development and hypsarrhythmia on EEG; X-Linked Infantile Spasm Syndrome; OHTAHARA SYNDROME, X-LINKED; INFANTILE SPASM SYNDROME, X-LINKED 1. Identifiers: MedGen C3463992, MONDO:0010632, OMIM 308350. Disease mechanism: loss of function.
Autosomal dominant nonsyndromic hearing loss 65. Also called: TBC1D24-Related Autosomal Dominant Nonsyndromic Hearing Loss (DFNA); Deafness, autosomal dominant 65. Identifiers: Orphanet 90635, MedGen C3892048, MONDO:0014470, OMIM 616044.

Allele frequency attached by ClinVar (database versions not stated): gnomAD exomes 0.00001.

Submissions (2):

Labcorp Genetics (formerly Invitae), Labcorp
Classification: Uncertain significance for Developmental and epileptic encephalopathy, 1; Autosomal dominant nonsyndromic hearing loss 65. Last evaluated: 2022-05-05. Review status: criteria provided, single submitter. Criteria: Invitae Variant Classification Sherloc (09022015). Collection method: clinical testing. Allele origin: germline.
Comment: This sequence change replaces serine, which is neutral and polar, with asparagine, which is neutral and polar, at codon 86 of the TBC1D24 protein (p.Ser86Asn). This variant is present in population databases (no rsID available, gnomAD 0.0009%). This variant has not been reported in the literature in individuals affected with TBC1D24-related conditions. Advanced modeling of protein sequence and biophysical properties (such as structural, functional, and spatial information, amino acid conservation, physicochemical variation, residue mobility, and thermodynamic stability) performed at Invitae indicates that this missense variant is not expected to disrupt TBC1D24 protein function. In summary, the available evidence is currently insufficient to determine the role of this variant in disease. Therefore, it has been classified as a Variant of Uncertain Significance.

Ambry Genetics
Classification: Uncertain significance for Inborn genetic diseases. Last evaluated: 2017-11-02. Review status: criteria provided, single submitter. Criteria: Ambry Variant Classification Scheme 2023. Collection method: clinical testing. Allele origin: germline.
Comment: The p.S86N variant (also known as c.257G>A), located in coding exon 1 of the TBC1D24 gene, results from a G to A substitution at nucleotide position 257. The serine at codon 86 is replaced by asparagine, an amino acid with highly similar properties. This amino acid position is well conserved in available vertebrate species. In addition, this alteration is predicted to be tolerated by in silico analysis. Since supporting evidence is limited at this time, the clinical significance of this alteration remains unclear.